The following is an entry in ClinVar:

ClinVar aggregate classification (germline): Likely pathogenic (1 of 4 stars; one submission).

Submission:

Labcorp Genetics (formerly Invitae), Labcorp
Classification: Likely pathogenic. Last evaluated: 2022-02-08. Review status: criteria provided, single submitter. Criteria: Invitae Variant Classification Sherloc (09022015). Collection method: clinical testing. Allele origin: germline.
Comment: In summary, the currently available evidence indicates that the variant is pathogenic, but additional data are needed to prove that conclusively. Therefore, this variant has been classified as Likely Pathogenic. Algorithms developed to predict the effect of sequence changes on RNA splicing suggest that this variant may disrupt the consensus splice site. ClinVar contains an entry for this variant (Variation ID: 575778). This variant has not been reported in the literature in individuals affected with TMEM5-related conditions. This variant is not present in population databases (gnomAD no frequency). This sequence change affects a splice site in intron 1 of the TMEM5 gene. It is expected to disrupt RNA splicing. Variants that disrupt the donor or acceptor splice site typically lead to a loss of protein function (PMID: 16199547), and loss-of-function variants in TMEM5 are known to be pathogenic (PMID: 23217329, 23519211, 31742715).

Literature cited by the submitters: PubMed 16199547; PubMed 23217329; PubMed 23519211; PubMed 31742715.

NM_014254.3(RXYLT1):c.170-1del

Gene: RXYLT1 (ribitol xylosyltransferase 1; plus strand). Cytogenetic location: 12q14.2.
Variant type: Deletion.
Coding change: c.170-1del on transcript NM_014254.3 (MANE Select); the canonical splice acceptor site of the intron before coding-DNA position 170, one base deleted (G; older notation c.170-1delG).
Molecular consequence: splice acceptor variant.
Genome position (GRCh38, 1-based): chr12:63,781,018, G deleted. VCF-style (leftmost placement, unchanged base first): chr12-63781017-AG-A. GRCh37 (hg19) VCF-style: chr12-64174797-AG-A.
Other names: c.-611-1del (NM_001278237.2).
Identifiers: ClinVar variation 575778 (VCV000575778.9), dbSNP rs1565898123, ClinGen allele CA891843504.
Genomic context (GRCh38, chr12:63,781,017, plus strand): 5'-TTTGAATTTACCTACAACTGCAATAATACCTTACTGGTAAACACTTACTCTTTTTAAAAC[AG>A]AACAGTCCACTTTGGAAAGTGAAGAATGGAATCCTTGGGAAGGAGATGAAAAAAATGAGC-3'